The following is an entry in ClinVar:

NM_005732.4(RAD50):c.355A>G (p.Thr119Ala)

Gene: RAD50 (RAD50 double strand break repair protein; plus strand). Cytogenetic location: 5q31.1.
Variant type: single nucleotide variant.
Coding change: c.355A>G on transcript NM_005732.4 (MANE Select); coding-DNA position 355, A replaced by G.
Protein change: p.Thr119Ala; replaces threonine 119 with alanine.
Molecular consequence: missense variant.
Genome position (GRCh38, 1-based): chr5:132,575,918, A>G. VCF-style: chr5-132575918-A-G. GRCh37 (hg19) VCF-style: chr5-131911610-A-G.
Other names: short protein forms T119A.
Identifiers: ClinVar variation 527332 (VCV000527332.14), dbSNP rs1554097579, ClinGen allele CA360931460.

ClinVar aggregate classification (germline): Uncertain significance. Review status: criteria provided, multiple submitters, no conflicts (2 of 4 stars). 2 submissions from 2 submitters: Uncertain significance (2). Last evaluated 2023-10-20.

Conditions:
Hereditary cancer-predisposing syndrome. Also called: Neoplastic Syndromes, Hereditary; Tumor predisposition; Hereditary Cancer Syndrome; Hereditary neoplastic syndrome. Identifiers: Orphanet 140162, MedGen C0027672, MeSH D009386, MONDO:0015356.

Allele frequency attached by ClinVar (database versions not stated): gnomAD exomes below 0.00001.
gnomAD v4.1: 1 of 1,609,390 alleles (0.000062%); highest among the groups gnomAD compares: Admixed American, 0.0017%; no homozygotes.

Submissions (2):

Labcorp Genetics (formerly Invitae), Labcorp
Classification: Uncertain significance for Hereditary cancer-predisposing syndrome. Last evaluated: 2023-10-20. Review status: criteria provided, single submitter. Criteria: Invitae Variant Classification Sherloc (09022015). Collection method: clinical testing. Allele origin: germline.
Comment: This sequence change replaces threonine, which is neutral and polar, with alanine, which is neutral and non-polar, at codon 119 of the RAD50 protein (p.Thr119Ala). This variant is not present in population databases (gnomAD no frequency). This variant has not been reported in the literature in individuals affected with RAD50-related conditions. ClinVar contains an entry for this variant (Variation ID: 527332). Advanced modeling of protein sequence and biophysical properties (such as structural, functional, and spatial information, amino acid conservation, physicochemical variation, residue mobility, and thermodynamic stability) has been performed at Invitae for this missense variant, however the output from this modeling did not meet the statistical confidence thresholds required to predict the impact of this variant on RAD50 protein function. In summary, the available evidence is currently insufficient to determine the role of this variant in disease. Therefore, it has been classified as a Variant of Uncertain Significance.

Ambry Genetics
Classification: Uncertain significance for Hereditary cancer-predisposing syndrome. Last evaluated: 2022-07-21. Review status: criteria provided, single submitter. Criteria: Ambry Variant Classification Scheme 2023. Collection method: clinical testing. Allele origin: germline.
Comment: The p.T119A variant (also known as c.355A>G), located in coding exon 3 of the RAD50 gene, results from an A to G substitution at nucleotide position 355. The threonine at codon 119 is replaced by alanine, an amino acid with similar properties. This amino acid position is well conserved in available vertebrate species. In addition, this alteration is predicted to be tolerated by in silico analysis. Since supporting evidence is limited at this time, the clinical significance of this alteration remains unclear.